The following is an entry in ClinVar:

ClinVar aggregate classification (germline): Uncertain significance (1 of 4 stars; one submission).

Allele frequency attached by ClinVar (database versions not stated): gnomAD exomes below 0.00001; ExAC 0.00001; TOPMed 0.00002.
gnomAD v4.1: 1 of 1,605,870 alleles (0.000062%); highest among the groups gnomAD compares: East Asian, 0.0022%; no homozygotes.

Submission:

Women's Health and Genetics/Laboratory Corporation of America, LabCorp
Classification: Uncertain significance. Last evaluated: 2021-09-17. Review status: criteria provided, single submitter. Criteria: LabCorp Variant Classification Summary - May 2015. Collection method: clinical testing. Allele origin: germline.
Comment: Variant summary: COL4A3 c.2210T>A (p.Leu737His) results in a non-conservative amino acid change in the encoded protein sequence. Four of five in-silico tools predict a benign effect of the variant on protein function. The variant allele was found at a frequency of 4.3e-06 in 232954 control chromosomes. The available data on variant occurrences in the general population are insufficient to allow any conclusion about variant significance. c.2210T>A has been reported in the literature in a proband and mother affected with focal segmental glomerulosclerosis, with no second variant reported (Xie_2014). This report does not provide unequivocal conclusions about association of the variant with Alport Syndrome, Autosomal Recessive. To our knowledge, no experimental evidence demonstrating an impact on protein function has been reported. No clinical diagnostic laboratories have submitted clinical-significance assessments for this variant to ClinVar after 2014. Based on the evidence outlined above, the variant was classified as uncertain significance.

Literature cited by the submitters: PubMed 25596306.

NM_000091.5(COL4A3):c.2210T>A (p.Leu737His)

Genes: COL4A3 (collagen type IV alpha 3 chain; plus strand), MFF-DT (MFF divergent transcript; minus strand). Cytogenetic location: 2q36.3.
Variant type: single nucleotide variant.
Coding change: c.2210T>A on transcript NM_000091.5 (MANE Select); coding-DNA position 2210, T replaced by A.
Protein change: p.Leu737His; replaces leucine 737 with histidine.
Molecular consequence: missense variant.
Genome position (GRCh38, 1-based): chr2:227,279,877, T>A. VCF-style: chr2-227279877-T-A. GRCh37 (hg19) VCF-style: chr2-228144593-T-A.
Other names: short protein forms L737H.
Identifiers: ClinVar variation 1301396 (VCV001301396.1), dbSNP rs760719817, ClinGen allele CA2146886.